The following is an entry in ClinVar:

ClinVar aggregate classification (germline): Uncertain significance (1 of 4 stars; one submission).

Conditions:
Fanconi anemia (FA). Also called: Fanconi's anemia. Identifiers: Orphanet 84, MedGen C0015625, MeSH D005199, MONDO:0019391.

Allele frequency attached by ClinVar (database versions not stated): gnomAD exomes below 0.00001.
gnomAD v4.1: 1 of 1,614,170 alleles (0.000062%); highest among the groups gnomAD compares: Non-Finnish European, 0.000085%; no homozygotes.

Submission:

Labcorp Genetics (formerly Invitae), Labcorp
Classification: Uncertain significance for Fanconi anemia. Last evaluated: 2022-07-19. Review status: criteria provided, single submitter. Criteria: Invitae Variant Classification Sherloc (09022015). Collection method: clinical testing. Allele origin: germline.
Comment: In summary, the available evidence is currently insufficient to determine the role of this variant in disease. Therefore, it has been classified as a Variant of Uncertain Significance. Algorithms developed to predict the effect of missense changes on protein structure and function output the following: SIFT: "Tolerated"; PolyPhen-2: "Benign"; Align-GVGD: "Class C0". The valine amino acid residue is found in multiple mammalian species, which suggests that this missense change does not adversely affect protein function. This missense change has been observed in individual(s) with Fanconi anemia (PMID: 12552564). This variant is not present in population databases (gnomAD no frequency). This sequence change replaces alanine, which is neutral and non-polar, with valine, which is neutral and non-polar, at codon 188 of the FANCG protein (p.Ala188Val).

Literature cited by the submitters: PubMed 12552564.

NM_004629.2(FANCG):c.563C>T (p.Ala188Val)

Gene: FANCG (FA complementation group G; minus strand). Cytogenetic location: 9p13.3.
Variant type: single nucleotide variant.
Coding change: c.563C>T on transcript NM_004629.2 (MANE Select); coding-DNA position 563, C replaced by T.
Protein change: p.Ala188Val; replaces alanine 188 with valine.
Molecular consequence: missense variant.
Genome position (GRCh38, 1-based): chr9:35,077,347, G>A on the plus strand (C>T on the coding strand, the complement: FANCG is on the minus strand). VCF-style: chr9-35077347-G-A. GRCh37 (hg19) VCF-style: chr9-35077344-G-A.
Other names: short protein forms A188V.
Identifiers: ClinVar variation 2042602 (VCV002042602.4), dbSNP rs2131057203, ClinGen allele CA373314133.